The following is an entry in ClinVar:

ClinVar aggregate classification (germline): Likely benign. Review status: criteria provided, multiple submitters, no conflicts (2 of 4 stars). 4 submissions from 4 submitters: Likely benign (3). 1 of the submissions does not count toward it. Last evaluated 2024-01-08.

Conditions:
AUTS2-related disorder. Also called: AUTS2-related condition.

Allele frequency attached by ClinVar (database versions not stated): ExAC 0.00007; TOPMed 0.00007; gnomAD 0.00008; gnomAD exomes 0.00010.
gnomAD v4.1: 192 of 1,614,070 alleles (0.012%); highest among the groups gnomAD compares: South Asian, 0.035%; no homozygotes.

Submissions (4):

Labcorp Genetics (formerly Invitae), Labcorp
Classification: Likely benign. Last evaluated: 2024-01-08. Review status: criteria provided, single submitter. Criteria: Invitae Variant Classification Sherloc (09022015). Collection method: clinical testing. Allele origin: germline.

GeneDx
Classification: Likely benign. Last evaluated: 2021-04-16. Review status: criteria provided, single submitter. Criteria: GeneDx Variant Classification Process June 2021. Collection method: clinical testing. Allele origin: germline. Affected: yes.

CeGaT Center for Human Genetics Tuebingen
Classification: Likely benign. Last evaluated: 2019-06-01. Review status: criteria provided, single submitter. Criteria: CeGaT Center For Human Genetics Tuebingen Variant Classification Criteria Version 2. Collection method: clinical testing. Allele origin: germline. Affected: yes. Observed: 1 variant allele.

PreventionGenetics, part of Exact Sciences
Classification: Likely benign for AUTS2-related condition. Last evaluated: 2019-06-27. Review status: no assertion criteria provided. Collection method: clinical testing. Allele origin: germline. Not counted in ClinVar's aggregate classification.
Comment: This variant is classified as likely benign based on ACMG/AMP sequence variant interpretation guidelines (Richards et al. 2015 PMID: 25741868, with internal and published modifications).

NM_015570.4(AUTS2):c.1899G>A (p.Pro633=)

Gene: AUTS2 (activator of transcription and developmental regulator AUTS2; plus strand). Cytogenetic location: 7q11.22.
Variant type: single nucleotide variant.
Coding change: c.1899G>A on transcript NM_015570.4 (MANE Select); coding-DNA position 1899, G replaced by A.
Protein change: p.Pro633=; no amino-acid change (proline 633 retained).
Molecular consequence: synonymous variant. On other transcripts: intron variant (1).
Genome position (GRCh38, 1-based): chr7:70,774,096, G>A. VCF-style: chr7-70774096-G-A. GRCh37 (hg19) VCF-style: chr7-70239082-G-A.
Other names: c.1831-1261G>A (NM_001127231.3); c.1899G>A (NM_015570.3).
Identifiers: ClinVar variation 810097 (VCV000810097.49), dbSNP rs778155203, ClinGen allele CA4280822.